The following is an entry in ClinVar:

ClinVar aggregate classification (germline): Uncertain significance (1 of 4 stars; one submission).

Conditions:
DPAGT1-congenital disorder of glycosylation. Also called: DPAGT1-CDG; CDG Ij; CONGENITAL DISORDER OF GLYCOSYLATION, TYPE Ij. Identifiers: Orphanet 86309, MedGen C2931004, MONDO:0011964, OMIM 608093.
Congenital myasthenic syndrome 13 (CMS13). Also called: Myasthenic syndrome, congenital, 13, with tubular aggregates; Myasthenic syndrome, congenital, with tubular aggregates 2. Identifiers: Orphanet 353327, Orphanet 590, MedGen C3553645, MONDO:0013883, OMIM 614750.

Submission:

Labcorp Genetics (formerly Invitae), Labcorp
Classification: Uncertain significance for Congenital myasthenic syndrome 13; DPAGT1-congenital disorder of glycosylation. Last evaluated: 2021-04-16. Review status: criteria provided, single submitter. Criteria: Invitae Variant Classification Sherloc (09022015). Collection method: clinical testing. Allele origin: germline.
Comment: This sequence change replaces aspartic acid with glutamic acid at codon 220 of the DPAGT1 protein (p.Asp220Glu). The aspartic acid residue is moderately conserved and there is a small physicochemical difference between aspartic acid and glutamic acid. This variant is not present in population databases (ExAC no frequency). This variant has not been reported in the literature in individuals with DPAGT1-related conditions. Algorithms developed to predict the effect of missense changes on protein structure and function are either unavailable or do not agree on the potential impact of this missense change (SIFT: "Tolerated"; PolyPhen-2: "Possibly Damaging"; Align-GVGD: "Class C0"). In summary, the available evidence is currently insufficient to determine the role of this variant in disease. Therefore, it has been classified as a Variant of Uncertain Significance.

NM_001382.4(DPAGT1):c.660T>G (p.Asp220Glu)

Gene: DPAGT1 (dolichyl-phosphate N-acetylglucosaminephosphotransferase 1; minus strand). Cytogenetic location: 11q23.3.
Variant type: single nucleotide variant.
Coding change: c.660T>G on transcript NM_001382.4 (MANE Select); coding-DNA position 660, T replaced by G.
Protein change: p.Asp220Glu; replaces aspartic acid 220 with glutamic acid.
Molecular consequence: missense variant.
Genome position (GRCh38, 1-based): chr11:119,098,471, A>C on the plus strand (T>G on the coding strand, the complement: DPAGT1 is on the minus strand). VCF-style: chr11-119098471-A-C. GRCh37 (hg19) VCF-style: chr11-118969181-A-C.
Other names: short protein forms D220E.
Identifiers: ClinVar variation 1498150 (VCV001498150.8), dbSNP rs1386440899, ClinGen allele CA382911867.